The following is an entry in ClinVar:

NM_001378183.1(PIEZO2):c.302del (p.Lys101fs)

Gene: PIEZO2 (piezo type mechanosensitive ion channel component 2; minus strand). Cytogenetic location: 18p11.21.
Variant type: Deletion.
Coding change: c.302del on transcript NM_001378183.1 (MANE Select); coding-DNA position 302, one base deleted (A; older notation c.302delA).
Protein change: p.Lys101fs; shifts the reading frame from lysine 101.
Molecular consequence: frameshift variant.
Genome position (GRCh38, 1-based): chr18:10,911,213, T deleted on the plus strand (A on the coding strand, the reverse complement: PIEZO2 is on the minus strand); the first of 4 consecutive T bases (chr18:10,911,213-10,911,216); deleting any one gives the same sequence. VCF-style (leftmost placement, unchanged base first): chr18-10911212-CT-C. GRCh37 (hg19) VCF-style: chr18-10911210-CT-C.
Other names: c.302del, p.Lys101fs (NM_001410871.1, NM_022068.4); short protein forms K101fs.
Identifiers: ClinVar variation 5019495 (VCV005019495.2).

ClinVar aggregate classification (germline): Likely pathogenic (1 of 4 stars; one submission).

Conditions:
Arthrogryposis, distal, with impaired proprioception and touch (DAIPT). Identifiers: MedGen C4310692, MONDO:0014941, OMIM 617146.

Submission:

Juno Genomics, Hangzhou Juno Genomics, Inc
Classification: Likely pathogenic for Arthrogryposis, distal, with impaired proprioception and touch. Review status: criteria provided, single submitter. Criteria: ACMG Guidelines, 2015. Collection method: clinical testing. Allele origin: germline.
Comment: Absent from controls (or at extremely low frequency if recessive) in Genome Aggregation Database.;Null variant in a gene where loss of function (LOF) is a known mechanism of disease.